The following is an entry in ClinVar:

ClinVar aggregate classification (germline): Pathogenic/Likely pathogenic. Review status: criteria provided, multiple submitters, no conflicts (2 of 4 stars). 2 submissions from 2 submitters: Pathogenic (1); Likely pathogenic (1). Last evaluated 2025-03-27.

Submissions (2):

GeneDx
Classification: Likely pathogenic. Last evaluated: 2025-03-27. Review status: criteria provided, single submitter. Criteria: GeneDx Variant Classification Process June 2021. Collection method: clinical testing. Allele origin: germline. Affected: yes.
Comment: Frameshift variant predicted to result in protein truncation, as the last 138 amino acids are replaced with 32 different amino acids, and other loss-of-function variants have been reported downstream in HGMD; Not observed at significant frequency in large population cohorts (gnomAD); Has not been previously published as pathogenic or benign to our knowledge

Labcorp Genetics (formerly Invitae), Labcorp
Classification: Pathogenic. Last evaluated: 2023-09-08. Review status: criteria provided, single submitter. Criteria: Invitae Variant Classification Sherloc (09022015). Collection method: clinical testing. Allele origin: germline.
Comment: For these reasons, this variant has been classified as Pathogenic. This variant disrupts a region of the FGF8 protein in which other variant(s) (p.Arg129Pro) have been determined to be pathogenic (Invitae). This suggests that this is a clinically significant region of the protein, and that variants that disrupt it are likely to be disease-causing. This variant has not been reported in the literature in individuals affected with FGF8-related conditions. This variant is not present in population databases (gnomAD no frequency). This sequence change creates a premature translational stop signal (p.Glu107Argfs*33) in the FGF8 gene. While this is not anticipated to result in nonsense mediated decay, it is expected to disrupt the last 138 amino acid(s) of the FGF8 protein.

NM_033163.5(FGF8):c.318del (p.Glu107fs)

Gene: FGF8 (fibroblast growth factor 8; minus strand). Cytogenetic location: 10q24.32.
Variant type: Deletion.
Coding change: c.318del on transcript NM_033163.5 (MANE Select); coding-DNA position 318, one base deleted (A; older notation c.318delA).
Protein change: p.Glu107fs; shifts the reading frame from glutamic acid 107.
Molecular consequence: frameshift variant.
Genome position (GRCh38, 1-based): chr10:101,774,751, T deleted on the plus strand (A on the coding strand, the reverse complement: FGF8 is on the minus strand). VCF-style (leftmost placement, unchanged base first): chr10-101774750-CT-C. GRCh37 (hg19) VCF-style: chr10-103534507-CT-C.
Other names: c.6del, p.Glu3fs (NM_001206389.2); c.231del, p.Glu78fs (NM_006119.6); c.285del, p.Glu96fs (NM_033164.4); c.198del, p.Glu67fs (NM_033165.5); short protein forms E107fs, E3fs, E67fs, E78fs, E96fs.
Identifiers: ClinVar variation 2582180 (VCV002582180.6), dbSNP rs2539366540, ClinGen allele CA2582341850.
Genomic context (GRCh38, chr10:101,774,750, plus strand): 5'-CAGGCGCCGCGCATCCCACAAGCTACCTTCAGCGCGCCTTACCGAAGGGGTCGCCGTCCT[CT>C]GCCATGGCGTTGATGCGCTTGTTGGCCAGGACCTGCACGTGCTTCCCGCTGGTGCGGCTG-3'